The following is an entry in ClinVar:

NM_012213.3(MLYCD):c.1109C>A (p.Pro370His)

Gene: MLYCD (malonyl-CoA decarboxylase; plus strand). Cytogenetic location: 16q23.3.
Variant type: single nucleotide variant.
Coding change: c.1109C>A on transcript NM_012213.3 (MANE Select); coding-DNA position 1109, C replaced by A.
Protein change: p.Pro370His; replaces proline 370 with histidine.
Molecular consequence: missense variant.
Genome position (GRCh38, 1-based): chr16:83,915,116, C>A. VCF-style: chr16-83915116-C-A. GRCh37 (hg19) VCF-style: chr16-83948721-C-A.
Other names: c.1109C>A (NM_012213.2); short protein forms P370H.
Identifiers: ClinVar variation 1426239 (VCV001426239.7), dbSNP rs759839871, ClinGen allele CA396920058.
Genomic context (GRCh38, chr16:83,915,116, plus strand): 5'-GGAGGAATGAACTCTTTACAGATTCGGAATGTAAGGAAATCTCGGAGATCACAGGTGGCC[C>A]CATTAACGAGACCCTCAAGCTCCTCCTCAGCAGCAGCGAGTGGGTGCAGTCGGAGAAGCT-3'
Protein context (NP_036345.2, residues 360-380): CKEISEITGG[Pro370His]INETLKLLLS

ClinVar aggregate classification (germline): Uncertain significance. Review status: criteria provided, multiple submitters, no conflicts (2 of 4 stars). 2 submissions from 2 submitters: Uncertain significance (2). Last evaluated 2023-11-14.

Conditions:
Deficiency of malonyl-CoA decarboxylase. Also called: Malonic aciduria; MCD deficiency. Identifiers: Orphanet 943, MedGen C0342793, MONDO:0009556, OMIM 248360.
Inborn genetic diseases. Identifiers: MedGen C0950123, MeSH D030342.

Submissions (2):

Ambry Genetics
Classification: Uncertain significance for Inborn genetic diseases. Last evaluated: 2023-11-14. Review status: criteria provided, single submitter. Criteria: Ambry Variant Classification Scheme 2023. Collection method: clinical testing. Allele origin: germline.

Labcorp Genetics (formerly Invitae), Labcorp
Classification: Uncertain significance for Deficiency of malonyl-CoA decarboxylase. Last evaluated: 2022-08-01. Review status: criteria provided, single submitter. Criteria: Invitae Variant Classification Sherloc (09022015). Collection method: clinical testing. Allele origin: germline.
Comment: In summary, the available evidence is currently insufficient to determine the role of this variant in disease. Therefore, it has been classified as a Variant of Uncertain Significance. Algorithms developed to predict the effect of missense changes on protein structure and function are either unavailable or do not agree on the potential impact of this missense change (SIFT: "Deleterious"; PolyPhen-2: "Benign"; Align-GVGD: "Class C0"). ClinVar contains an entry for this variant (Variation ID: 1426239). This variant has not been reported in the literature in individuals affected with MLYCD-related conditions. This variant is not present in population databases (gnomAD no frequency). This sequence change replaces proline, which is neutral and non-polar, with histidine, which is basic and polar, at codon 370 of the MLYCD protein (p.Pro370His).